The following is an entry in ClinVar:

NM_001048174.2(MUTYH):c.319G>A (p.Val107Ile)

Gene: MUTYH (mutY DNA glycosylase; minus strand). Cytogenetic location: 1p34.1.
Variant type: single nucleotide variant.
Coding change: c.319G>A on transcript NM_001048174.2 (MANE Select); coding-DNA position 319, G replaced by A.
Protein change: p.Val107Ile; replaces valine 107 with isoleucine.
Molecular consequence: missense variant. On other transcripts: non-coding transcript variant (6), intron variant (3).
Genome position (GRCh38, 1-based): chr1:45,333,156, C>T on the plus strand (G>A on the coding strand, the complement: MUTYH is on the minus strand). VCF-style: chr1-45333156-C-T. GRCh37 (hg19) VCF-style: chr1-45798828-C-T.
Other names: c.322G>A, p.Val108Ile (NM_001407079.1, NM_001048172.2, NM_001407086.1 and 2 more transcripts); c.319G>A, p.Val107Ile (NM_001407080.1, NM_001407081.1, NM_001048171.2 and 6 more transcripts); c.361G>A, p.Val121Ile (NM_001407083.1, NM_001407085.1, NM_001407073.1); c.403G>A, p.Val135Ile (NM_001128425.2); c.364G>A, p.Val122Ile (NM_001293190.2); c.352G>A, p.Val118Ile (NM_001293191.2, NM_001407077.1); c.43G>A, p.Val15Ile (NM_001293192.2, NM_001293196.2, NM_001407091.1); c.394G>A, p.Val132Ile (NM_001407069.1, NM_012222.3); and 3 more; short protein forms V114I, V15I, V79I, V118I, V122I, V108I, V121I, V132I.
Identifiers: ClinVar variation 4113647 (VCV004113647.1).

ClinVar aggregate classification (germline): Uncertain significance (1 of 4 stars; one submission).

Conditions:
Hereditary cancer-predisposing syndrome. Also called: Hereditary neoplastic syndrome; Neoplastic Syndromes, Hereditary; Tumor predisposition; Hereditary Cancer Syndrome. Identifiers: Orphanet 140162, MedGen C0027672, MeSH D009386, MONDO:0015356.

Submission:

Ambry Genetics
Classification: Uncertain significance for Hereditary cancer-predisposing syndrome. Last evaluated: 2025-08-27. Review status: criteria provided, single submitter. Criteria: Ambry Variant Classification Scheme 2023. Collection method: clinical testing. Allele origin: germline.
Comment: The p.V135I variant (also known as c.403G>A), located in coding exon 5 of the MUTYH gene, results from a G to A substitution at nucleotide position 403. The valine at codon 135 is replaced by isoleucine, an amino acid with highly similar properties. This amino acid position is conserved. In addition, this alteration is predicted to be tolerated by in silico analysis. Based on the available evidence, the clinical significance of this variant remains unclear.